The following is an entry in ClinVar:

NM_001304438.2(TMEM132E):c.2097G>T (p.Arg699=)

Gene: TMEM132E (transmembrane protein 132E; plus strand). Cytogenetic location: 17q12.
Variant type: single nucleotide variant.
Coding change: c.2097G>T on transcript NM_001304438.2 (MANE Select); coding-DNA position 2097, G replaced by T.
Protein change: p.Arg699=; no amino-acid change (arginine 699 retained).
Molecular consequence: synonymous variant.
Genome position (GRCh38, 1-based): chr17:34,636,126, G>T. VCF-style: chr17-34636126-G-T. GRCh37 (hg19) VCF-style: chr17-32963145-G-T.
Other names: c.2097G>T (NM_001304438.1).
Identifiers: ClinVar variation 3715977 (VCV003715977.3).
Genomic context (GRCh38, chr17:34,636,126, plus strand): 5'-GAAGGTCAGCATCACACAGCTTCAGGCCCAGGTGGTGGCCAGCCTGGCCCTCTCCCTGCG[G>T]CCCAGCCCTGGGAGCAGCCACACCATCCTAGCCACCACAGCTGCCCAACAGACCTTGAGC-3'
Protein context (NP_001291367.1, residues 689-709): QVVASLALSL[Arg699=]PSPGSSHTIL

ClinVar aggregate classification (germline): Benign/Likely benign. Review status: criteria provided, multiple submitters, no conflicts (2 of 4 stars). 2 submissions from 2 submitters: Benign (1); Likely benign (1). Last evaluated 2025-03-13.

Conditions:
TMEM132E-related disorder. Also called: TMEM132E-related condition.

gnomAD v4.1: 297 of 1,591,872 alleles (0.019%); highest among the groups gnomAD compares: South Asian, 0.32%; 4 homozygotes.

Submissions (2):

PreventionGenetics, part of Exact Sciences
Classification: Likely benign for TMEM132E-related condition. Last evaluated: 2025-03-13. Review status: criteria provided, single submitter. Criteria: ACMG Guidelines, 2015. Collection method: clinical testing. Allele origin: germline.
Comment: This variant is classified as likely benign based on ACMG/AMP sequence variant interpretation guidelines (Richards et al. 2015 PMID: 25741868, with internal and published modifications).

Labcorp Genetics (formerly Invitae), Labcorp
Classification: Benign. Last evaluated: 2024-05-07. Review status: criteria provided, single submitter. Criteria: Invitae Variant Classification Sherloc (09022015). Collection method: clinical testing. Allele origin: germline.